The following is an entry in ClinVar:

ClinVar aggregate classification (germline): Uncertain significance. Review status: criteria provided, multiple submitters, no conflicts (2 of 4 stars). 2 submissions from 2 submitters: Uncertain significance (2). Last evaluated 2025-04-19.

Conditions:
Brugada syndrome. Also called: Sudden unexpected nocturnal death syndrome; Sudden unexplained nocturnal death syndrome; Sudden Unexplained Death Syndrome; Sudden Unexplained Nocturnal Death Syndrome (SUNDS). Identifiers: Orphanet 130, MedGen C1142166, MONDO:0015263.
Cardiovascular phenotype. Identifiers: MedGen CN230736.

Allele frequency attached by ClinVar (database versions not stated): gnomAD exomes 0.00001 and 0.00002; TOPMed 0.00001; ExAC 0.00001; gnomAD 0.00001.

Submissions (2):

Ambry Genetics
Classification: Uncertain significance for Cardiovascular phenotype. Last evaluated: 2025-04-19. Review status: criteria provided, single submitter. Criteria: Ambry Variant Classification Scheme 2023. Collection method: clinical testing. Allele origin: germline.
Comment: The p.S258I variant (also known as c.773G>T), located in coding exon 6 of the SCN10A gene, results from a G to T substitution at nucleotide position 773. The serine at codon 258 is replaced by isoleucine, an amino acid with dissimilar properties. This amino acid position is well conserved in available vertebrate species. In addition, this alteration is predicted to be deleterious by in silico analysis. Since supporting evidence is limited at this time, the clinical significance of this alteration remains unclear.

Labcorp Genetics (formerly Invitae), Labcorp
Classification: Uncertain significance for Brugada syndrome. Last evaluated: 2022-06-13. Review status: criteria provided, single submitter. Criteria: Invitae Variant Classification Sherloc (09022015). Collection method: clinical testing. Allele origin: germline.
Comment: This sequence change replaces serine, which is neutral and polar, with isoleucine, which is neutral and non-polar, at codon 258 of the SCN10A protein (p.Ser258Ile). This variant is present in population databases (rs758197140, gnomAD 0.003%). This missense change has been observed in individual(s) with arrhythmogenic right ventricular dysplasia/cardiomyopathy (PMID: 26733327). ClinVar contains an entry for this variant (Variation ID: 663265). Advanced modeling of protein sequence and biophysical properties (such as structural, functional, and spatial information, amino acid conservation, physicochemical variation, residue mobility, and thermodynamic stability) performed at Invitae indicates that this missense variant is expected to disrupt SCN10A protein function. In summary, the available evidence is currently insufficient to determine the role of this variant in disease. Therefore, it has been classified as a Variant of Uncertain Significance.

Literature cited by the submitters: PubMed 26733327 (cited by Labcorp Genetics (formerly Invitae), Labcorp).

NM_006514.4(SCN10A):c.773G>T (p.Ser258Ile)

Gene: SCN10A (sodium voltage-gated channel alpha subunit 10; minus strand). Cytogenetic location: 3p22.2.
Variant type: single nucleotide variant.
Coding change: c.773G>T on transcript NM_006514.4 (MANE Select); coding-DNA position 773, G replaced by T.
Protein change: p.Ser258Ile; replaces serine 258 with isoleucine.
Molecular consequence: missense variant.
Genome position (GRCh38, 1-based): chr3:38,761,302, C>A on the plus strand (G>T on the coding strand, the complement: SCN10A is on the minus strand). VCF-style: chr3-38761302-C-A. GRCh37 (hg19) VCF-style: chr3-38802793-C-A.
Other names: c.773G>T, p.Ser258Ile (NM_001293306.2, NM_001293307.2); short protein forms S258I.
Identifiers: ClinVar variation 663265 (VCV000663265.5), dbSNP rs758197140, ClinGen allele CA2321079.